The following is an entry in ClinVar:

NM_001267550.2(TTN):c.44252_44253dup (p.Lys14752fs)

Gene: TTN (titin; minus strand). Cytogenetic location: 2q31.2.
Variant type: Duplication.
Coding change: c.44252_44253dup on transcript NM_001267550.2 (MANE Select); coding-DNA positions 44252 to 44253, 2 bases duplicated (TT; older notation c.44252_44253dupTT).
Protein change: p.Lys14752fs; shifts the reading frame from lysine 14752.
Molecular consequence: frameshift variant.
Genome position (GRCh38, 1-based): chr2:178,630,269-178,630,270, AA duplicated on the plus strand (TT on the coding strand, the reverse complement: TTN is on the minus strand). VCF-style (leftmost placement, unchanged base first): chr2-178630268-T-TAA. GRCh37 (hg19) VCF-style: chr2-179494995-T-TAA.
Other names: c.39329_39330dup, p.Lys13111fs (NM_001256850.1); c.17057_17058dup, p.Lys5687fs (NM_003319.4); c.36548_36549dup, p.Lys12184fs (NM_133378.4); c.17432_17433dup, p.Lys5812fs (NM_133432.3); c.17633_17634dup, p.Lys5879fs (NM_133437.4); short protein forms K12184fs, K13111fs, K14752fs, K5687fs, K5812fs, K5879fs.
Identifiers: ClinVar variation 4884472 (VCV004884472.1).

ClinVar aggregate classification (germline): Likely pathogenic (1 of 4 stars; one submission).

Conditions:
Autosomal recessive limb-girdle muscular dystrophy type 2J (LGMDR10). Also called: Limb-girdle muscular dystrophy, type 2J; MUSCULAR DYSTROPHY, LIMB-GIRDLE, AUTOSOMAL RECESSIVE 10. Identifiers: Orphanet 140922, MedGen C1837342, MONDO:0012127, OMIM 608807.
Early-onset myopathy with fatal cardiomyopathy (CMYO5). Also called: Salih Myopathy; CONGENITAL MYOPATHY 5 WITH CARDIOMYOPATHY. Identifiers: Orphanet 289377, MedGen C2673677, MONDO:0012714, OMIM 611705. Disease mechanism: loss of function.

Submission:

Diagnostics Services (NGS), CSIR - Centre For Cellular And Molecular Biology
Classification: Likely pathogenic for Autosomal recessive limb-girdle muscular dystrophy type 2J; Early-onset myopathy with fatal cardiomyopathy. Last evaluated: 2026-06-24. Review status: criteria provided, single submitter. Criteria: ACMG Guidelines, 2015. Collection method: clinical testing. Allele origin: germline. Observed: 2 variant alleles, 2 heterozygotes.
Comment: The c.44252_44253dup variant is not present in publicly available population databases like 1000 Genomes, EVS, gnomAD, Indian Exome Database or our internal database. This variant has not been published in the literature for TTN-related conditions nor reported to the clinical databases like Human Genome Mutation Database (HGMD), ClinVar or OMIM, in any affected individuals. In-silico pathogenicity prediction programs like MutationTaster2021, CADD, Franklin, Varsome etc., predicted this variant to be likely deleterious. This variant causes frameshift at the 14752th amino acid position of the wild-type transcript which creates a premature translational stop signal at the altered transcript that may either result in translation of a truncated protein or cause nonsense mediated decay of the mRNA.